The following is an entry in ClinVar:

ClinVar aggregate classification (germline): Uncertain significance (1 of 4 stars; one submission).

Submission:

Labcorp Genetics (formerly Invitae), Labcorp
Classification: Uncertain significance. Last evaluated: 2023-11-27. Review status: criteria provided, single submitter. Criteria: Invitae Variant Classification Sherloc (09022015). Collection method: clinical testing. Allele origin: germline.
Comment: This sequence change replaces valine, which is neutral and non-polar, with leucine, which is neutral and non-polar, at codon 611 of the SAMD11 protein (p.Val611Leu). This variant is not present in population databases (gnomAD no frequency). This variant has not been reported in the literature in individuals affected with SAMD11-related conditions. ClinVar contains an entry for this variant (Variation ID: 2003900). An algorithm developed to predict the effect of missense changes on protein structure and function (PolyPhen-2) suggests that this variant is likely to be tolerated. In summary, the available evidence is currently insufficient to determine the role of this variant in disease. Therefore, it has been classified as a Variant of Uncertain Significance.

NM_001385641.1(SAMD11):c.2320G>T (p.Val774Leu)

Gene: SAMD11 (sterile alpha motif domain containing 11; plus strand). Cytogenetic location: 1p36.33.
Variant type: single nucleotide variant.
Coding change: c.2320G>T on transcript NM_001385641.1 (MANE Select); coding-DNA position 2320, G replaced by T.
Protein change: p.Val774Leu; replaces valine 774 with leucine.
Molecular consequence: missense variant.
Genome position (GRCh38, 1-based): chr1:943,938, G>T. VCF-style: chr1-943938-G-T. GRCh37 (hg19) VCF-style: chr1-879318-G-T.
Other names: c.2323G>T, p.Val775Leu (NM_001385640.1); c.1831G>T, p.Val611Leu (NM_152486.4); short protein forms V774L, V611L, V775L.
Identifiers: ClinVar variation 2003900 (VCV002003900.4), dbSNP rs777407018, ClinGen allele CA337817655.